The following is an entry in ClinVar:

NM_000046.5(ARSB):c.1214-1G>A

Gene: ARSB (arylsulfatase B; minus strand). Cytogenetic location: 5q14.1.
Variant type: single nucleotide variant.
Coding change: c.1214-1G>A on transcript NM_000046.5 (MANE Select); the canonical splice acceptor site of the intron before coding-DNA position 1214, G replaced by A.
Molecular consequence: splice acceptor variant.
Genome position (GRCh38, 1-based): chr5:78,781,975, C>T on the plus strand (G>A on the coding strand, the complement: ARSB is on the minus strand). VCF-style: chr5-78781975-C-T. GRCh37 (hg19) VCF-style: chr5-78077798-C-T.
Other names: c.1214-1G>A (NM_000046.4).
Identifiers: ClinVar variation 3021668 (VCV003021668.5), dbSNP rs1197195532, ClinGen allele CA360340331.

ClinVar aggregate classification (germline): Likely pathogenic. Review status: criteria provided, multiple submitters, no conflicts (2 of 4 stars). 2 submissions from 2 submitters: Likely pathogenic (2). Last evaluated 2025-05-14.

Conditions:
Mucopolysaccharidosis type 6 (MPS6). Also called: ARSB DEFICIENCY; ARYLSULFATASE B DEFICIENCY; N-ACETYLGALACTOSAMINE-4-SULFATASE DEFICIENCY; MPS VI; MPS 6; Maroteaux Lamy syndrome. Identifiers: Orphanet 583, MedGen C0026709, MONDO:0009661, OMIM 253200.

Submissions (2):

Natera, Inc.
Classification: Likely pathogenic for Mucopolysaccharidosis type VI. Last evaluated: 2025-05-14. Review status: criteria provided, single submitter. Criteria: Natera Variant Classification Schema (03/2026). Collection method: clinical testing. Allele origin: germline.
Comment: The c.1214-1G>A variant in ARSB is a canonical splice acceptor site variant predicted to affect pre-mRNA splicing, which may result in an abnormal transcript and altered protein product. This variant is expected to result in nonsense mediated decay, truncation, or a dysfunctional protein product. This variant is rare in the general population with a frequency below the threshold expected for the associated phenotype(s). Given the available evidence, this variant is classified as Likely Pathogenic.

Labcorp Genetics (formerly Invitae), Labcorp
Classification: Likely pathogenic for Mucopolysaccharidosis type 6. Last evaluated: 2023-01-14. Review status: criteria provided, single submitter. Criteria: Invitae Variant Classification Sherloc (09022015). Collection method: clinical testing. Allele origin: germline.
Comment: This variant is present in population databases (no rsID available, gnomAD 0.0009%). In summary, the currently available evidence indicates that the variant is pathogenic, but additional data are needed to prove that conclusively. Therefore, this variant has been classified as Likely Pathogenic. Algorithms developed to predict the effect of sequence changes on RNA splicing suggest that this variant may disrupt the consensus splice site. Disruption of this splice site has been observed in individual(s) with mucopolysaccharidosis type VI (PMID: 17161971). This sequence change affects an acceptor splice site in intron 6 of the ARSB gene. It is expected to disrupt RNA splicing. Variants that disrupt the donor or acceptor splice site typically lead to a loss of protein function (PMID: 16199547), and loss-of-function variants in ARSB are known to be pathogenic (PMID: 17458871, 22133300).

Literature cited by the submitters: PubMed 17161971 (cited by Labcorp Genetics (formerly Invitae), Labcorp); PubMed 16199547 (cited by Labcorp Genetics (formerly Invitae), Labcorp); PubMed 17458871 (cited by Labcorp Genetics (formerly Invitae), Labcorp); PubMed 22133300 (cited by Labcorp Genetics (formerly Invitae), Labcorp).